The following is an entry in ClinVar:

ClinVar aggregate classification (germline): Likely benign. Review status: criteria provided, single submitter (1 of 4 stars). 2 submissions from 2 submitters: Likely benign (1). 1 of the submissions does not count toward it. Last evaluated 2019-12-31.

Conditions:
POU6F2-related disorder. Also called: POU6F2-related condition.

Allele frequency attached by ClinVar (database versions not stated): gnomAD 0.00025 and 0.00040; TOPMed 0.00032; ESP Exome Variant Server 0.00038; gnomAD exomes 0.00051 and 0.00100; ExAC 0.00093; 1000 Genomes Project 0.00120; 1000 Genomes Project 30x 0.00125.
gnomAD v4.1: 818 of 1,612,080 alleles (0.051%); highest among the groups gnomAD compares: South Asian, 0.49%; 10 homozygotes.

Submissions (2):

Labcorp Genetics (formerly Invitae), Labcorp
Classification: Likely benign. Last evaluated: 2019-12-31. Review status: criteria provided, single submitter. Criteria: Invitae Variant Classification Sherloc (09022015). Collection method: clinical testing. Allele origin: germline.

PreventionGenetics, part of Exact Sciences
Classification: Benign for POU6F2-related condition. Last evaluated: 2019-06-05. Review status: no assertion criteria provided. Collection method: clinical testing. Allele origin: germline. Not counted in ClinVar's aggregate classification.
Comment: This variant is classified as benign based on ACMG/AMP sequence variant interpretation guidelines (Richards et al. 2015 PMID: 25741868, with internal and published modifications).

NM_001370959.1(POU6F2):c.947C>T (p.Pro316Leu)

Gene: POU6F2 (POU class 6 homeobox 2; plus strand). Cytogenetic location: 7p14.1.
Variant type: single nucleotide variant.
Coding change: c.947C>T on transcript NM_001370959.1 (MANE Select); coding-DNA position 947, C replaced by T.
Protein change: p.Pro316Leu; replaces proline 316 with leucine.
Molecular consequence: missense variant.
Genome position (GRCh38, 1-based): chr7:39,339,990, C>T. VCF-style: chr7-39339990-C-T. GRCh37 (hg19) VCF-style: chr7-39379589-C-T.
Other names: c.860C>T, p.Pro287Leu (NM_001166018.2, NM_007252.4); short protein forms P316L, P287L.
Identifiers: ClinVar variation 736384 (VCV000736384.6), dbSNP rs140579551, ClinGen allele CA4227662.